The following is an entry in ClinVar:

NM_001943.5(DSG2):c.2595dup (p.Ala866fs)

Genes: DSG2 (desmoglein 2; plus strand), DSG2-AS1 (DSG2 antisense RNA 1; minus strand). Cytogenetic location: 18q12.1.
Variant type: Duplication.
Coding change: c.2595dup on transcript NM_001943.5 (MANE Select); coding-DNA position 2595, one base duplicated (A; older notation c.2595dupA).
Protein change: p.Ala866fs; shifts the reading frame from alanine 866.
Molecular consequence: frameshift variant.
Genome position (GRCh38, 1-based): chr18:31,545,981, A duplicated. VCF-style (leftmost placement, unchanged base first): chr18-31545980-C-CA. GRCh37 (hg19) VCF-style: chr18-29125943-C-CA.
Other names: short protein forms A866fs.
Identifiers: ClinVar variation 808379 (VCV000808379.43), dbSNP rs1598826658, ClinGen allele CA915952289.

ClinVar aggregate classification (germline): Conflicting classifications of pathogenicity. Review status: criteria provided, conflicting classifications (1 of 4 stars). 2 submissions from 2 submitters: Likely pathogenic (1); Uncertain significance (1). Last evaluated 2023-10-30.

Conditions:
Arrhythmogenic right ventricular cardiomyopathy (ARVD). Also called: Arrhythmogenic cardiomyopathy; Arrhythmogenic Right Ventricular Cardiomyopathy (ARVC); Cardiomyopathy, ARVC; Arrhythmogenic right ventricular dysplasia. Identifiers: Orphanet 247, MedGen C0349788, MeSH D019571, MONDO:0016587. Disease mechanism: loss of function. Inheritance: Various modes of inheritance.

Submissions (2):

All of Us Research Program, National Institutes of Health
Classification: Uncertain significance for Arrhythmogenic right ventricular cardiomyopathy. Last evaluated: 2023-10-30. Review status: criteria provided, single submitter. Criteria: ACMG Guidelines, 2015. Collection method: clinical testing. Allele origin: germline. Inheritance: Autosomal dominant inheritance. Observed: 1 variant allele, 1 heterozygote.
Comment: This study involves interpretation of variants in research participants for the purpose of population health screening. Participant phenotype was not available at the time of variant classification. Additional details can be found in publication PMID: 35346344, PMCID: PMC8962531

CeGaT Center for Human Genetics Tuebingen
Classification: Likely pathogenic. Last evaluated: 2018-11-01. Review status: criteria provided, single submitter. Criteria: CeGaT Center For Human Genetics Tuebingen Variant Classification Criteria Version 2. Collection method: clinical testing. Allele origin: germline. Affected: yes. Observed: 1 variant allele.